The following is an entry in ClinVar:

ClinVar aggregate classification (germline): Uncertain significance (1 of 4 stars; one submission).

Conditions:
Hypertrophic cardiomyopathy 20. Identifiers: MedGen C3151267, MONDO:0013477, OMIM 613876.
Dilated cardiomyopathy 1CC (CMD1CC). Identifiers: Orphanet 154, MedGen C2751084, MONDO:0013147, OMIM 613122.

Allele frequency attached by ClinVar (database versions not stated): gnomAD exomes below 0.00001; TOPMed below 0.00001; ESP Exome Variant Server 0.00008.
gnomAD v4.1: 2 of 1,613,914 alleles (0.00012%); highest among the groups gnomAD compares: Middle Eastern, 0.033%; no homozygotes.

Submission:

Labcorp Genetics (formerly Invitae), Labcorp
Classification: Uncertain significance for Dilated cardiomyopathy 1CC; Hypertrophic cardiomyopathy 20. Last evaluated: 2025-12-16. Review status: criteria provided, single submitter. Criteria: Invitae Variant Classification Sherloc (09022015). Collection method: clinical testing. Allele origin: germline.
Comment: This sequence change replaces methionine, which is neutral and non-polar, with threonine, which is neutral and polar, at codon 566 of the NEXN protein (p.Met566Thr). This variant is present in population databases (rs369894742, gnomAD 0.0009%). This variant has not been reported in the literature in individuals affected with NEXN-related conditions. ClinVar contains an entry for this variant (Variation ID: 641866). Invitae Evidence Modeling of protein sequence and biophysical properties (such as structural, functional, and spatial information, amino acid conservation, physicochemical variation, residue mobility, and thermodynamic stability) indicates that this missense variant is not expected to disrupt NEXN protein function with a negative predictive value of 80%. In summary, the available evidence is currently insufficient to determine the role of this variant in disease. Therefore, it has been classified as a Variant of Uncertain Significance.

NM_144573.4(NEXN):c.1697T>C (p.Met566Thr)

Gene: NEXN (nexilin F-actin binding protein; plus strand). Cytogenetic location: 1p31.1.
Variant type: single nucleotide variant.
Coding change: c.1697T>C on transcript NM_144573.4 (MANE Select); coding-DNA position 1697, T replaced by C.
Protein change: p.Met566Thr; replaces methionine 566 with threonine.
Molecular consequence: missense variant.
Genome position (GRCh38, 1-based): chr1:77,942,498, T>C. VCF-style: chr1-77942498-T-C. GRCh37 (hg19) VCF-style: chr1-78408183-T-C.
Other names: c.1505T>C, p.Met502Thr (NM_001172309.2); short protein forms M502T, M566T.
Identifiers: ClinVar variation 641866 (VCV000641866.2), dbSNP rs369894742, ClinGen allele CA24691546.